The following is an entry in ClinVar:

NM_000135.4(FANCA):c.1112T>C (p.Leu371Ser)

Gene: FANCA (FA complementation group A; minus strand). Cytogenetic location: 16q24.3.
Variant type: single nucleotide variant.
Coding change: c.1112T>C on transcript NM_000135.4 (MANE Select); coding-DNA position 1112, T replaced by C.
Protein change: p.Leu371Ser; replaces leucine 371 with serine.
Molecular consequence: missense variant.
Genome position (GRCh38, 1-based): chr16:89,792,040, A>G on the plus strand (T>C on the coding strand, the complement: FANCA is on the minus strand). VCF-style: chr16-89792040-A-G. GRCh37 (hg19) VCF-style: chr16-89858448-A-G.
Other names: c.1112T>C, p.Leu371Ser (NM_001286167.3); short protein forms L371S.
Identifiers: ClinVar variation 1721086 (VCV001721086.3), dbSNP rs2544273707, ClinGen allele CA397466284.

ClinVar aggregate classification (germline): Uncertain significance (1 of 4 stars; one submission).

Conditions:
Fanconi anemia (FA). Also called: Fanconi's anemia. Identifiers: Orphanet 84, MedGen C0015625, MeSH D005199, MONDO:0019391.

Submission:

Labcorp Genetics (formerly Invitae), Labcorp
Classification: Uncertain significance for Fanconi anemia. Last evaluated: 2022-10-08. Review status: criteria provided, single submitter. Criteria: Invitae Variant Classification Sherloc (09022015). Collection method: clinical testing. Allele origin: germline.
Comment: This sequence change replaces leucine, which is neutral and non-polar, with serine, which is neutral and polar, at codon 371 of the FANCA protein (p.Leu371Ser). In summary, the available evidence is currently insufficient to determine the role of this variant in disease. Therefore, it has been classified as a Variant of Uncertain Significance. Advanced modeling of protein sequence and biophysical properties (such as structural, functional, and spatial information, amino acid conservation, physicochemical variation, residue mobility, and thermodynamic stability) performed at Invitae indicates that this missense variant is not expected to disrupt FANCA protein function. This variant has not been reported in the literature in individuals affected with FANCA-related conditions. This variant is not present in population databases (gnomAD no frequency).